The following is an entry in ClinVar:

ClinVar aggregate classification (germline): Pathogenic. Review status: criteria provided, multiple submitters, no conflicts (2 of 4 stars). 2 submissions from 2 submitters: Pathogenic (2). Last evaluated 2022-04-21.

Conditions:
RP1-related disorder. Also called: RP1-related condition.

Submissions (2):

Blueprint Genetics
Classification: Pathogenic for RP1-related disorders. Last evaluated: 2022-04-21. Review status: criteria provided, single submitter. Criteria: ACMG Guidelines, 2015. Collection method: clinical testing. Allele origin: germline. Affected: yes. Observed: 3 variant alleles.

Labcorp Genetics (formerly Invitae), Labcorp
Classification: Pathogenic. Last evaluated: 2022-03-09. Review status: criteria provided, single submitter. Criteria: Invitae Variant Classification Sherloc (09022015). Collection method: clinical testing. Allele origin: germline.
Comment: This sequence change creates a premature translational stop signal (p.Gln732*) in the RP1 gene. While this is not anticipated to result in nonsense mediated decay, it is expected to disrupt the last 1425 amino acid(s) of the RP1 protein. This variant is not present in population databases (gnomAD no frequency). This premature translational stop signal has been observed in individuals with autosomal dominant retinitis pigmentosa (PMID: 23950152; Invitae). For these reasons, this variant has been classified as Pathogenic. This variant disrupts the C-terminus of the RP1 protein. Many variants that disrupt this region have been reported in individuals with either autosomal dominant or autosomal recessive retinitis pigmentosa (PMID: 11527933, 19933189, 29425069, 30027431). Therefore, variants that disrupt this region are expected to be disease-causing.

Literature cited by the submitters: PubMed 23950152 (cited by Labcorp Genetics (formerly Invitae), Labcorp); PubMed 11527933 (cited by Labcorp Genetics (formerly Invitae), Labcorp); PubMed 19933189 (cited by Labcorp Genetics (formerly Invitae), Labcorp); PubMed 29425069 (cited by Labcorp Genetics (formerly Invitae), Labcorp); PubMed 30027431 (cited by Labcorp Genetics (formerly Invitae), Labcorp).

NM_006269.2(RP1):c.2194C>T (p.Gln732Ter)

Gene: RP1 (RP1 axonemal microtubule associated; plus strand). Cytogenetic location: 8q12.1.
Variant type: single nucleotide variant.
Coding change: c.2194C>T on transcript NM_006269.2 (MANE Select); coding-DNA position 2194, C replaced by T.
Protein change: p.Gln732Ter; replaces glutamine 732 with a stop codon.
Molecular consequence: nonsense. On other transcripts: intron variant (1).
Genome position (GRCh38, 1-based): chr8:54,626,076, C>T. VCF-style: chr8-54626076-C-T. GRCh37 (hg19) VCF-style: chr8-55538636-C-T.
Other names: c.787+3788C>T (NM_001375654.1); short protein forms Q732*.
Identifiers: ClinVar variation 1452106 (VCV001452106.7), dbSNP rs2129316479, ClinGen allele CA370992944.
Genomic context (GRCh38, chr8:54,626,076, plus strand): 5'-ATGATAGTGCAAGATTCAGATAGTCCCCTTAAAGGAGGGATACTTTGTGAGGAAGACCTC[C>T]AGAAAAGTGATACTGTAATTGAATCAAATACTTTTTGTTCCAAAAGTAATCTCAATTCCA-3'